The following is an entry in ClinVar:

ClinVar aggregate classification (germline): Uncertain significance (1 of 4 stars; one submission).

Conditions:
Ichthyosis linearis circumflexa. Identifiers: MedGen C0265962, MONDO:0043106, HP:0025810.

gnomAD v4.1: 1 of 1,613,996 alleles (0.000062%); highest among the groups gnomAD compares: Non-Finnish European, 0.000085%; no homozygotes.

Submission:

Labcorp Genetics (formerly Invitae), Labcorp
Classification: Uncertain significance for Ichthyosis linearis circumflexa. Last evaluated: 2023-10-13. Review status: criteria provided, single submitter. Criteria: Invitae Variant Classification Sherloc (09022015). Collection method: clinical testing. Allele origin: germline.
Comment: This sequence change replaces glycine, which is neutral and non-polar, with valine, which is neutral and non-polar, at codon 764 of the SPINK5 protein (p.Gly764Val). This variant is present in population databases (rs373599568, gnomAD 0.0009%). This variant has not been reported in the literature in individuals affected with SPINK5-related conditions. ClinVar contains an entry for this variant (Variation ID: 1433976). Advanced modeling of protein sequence and biophysical properties (such as structural, functional, and spatial information, amino acid conservation, physicochemical variation, residue mobility, and thermodynamic stability) performed at Invitae indicates that this missense variant is not expected to disrupt SPINK5 protein function. In summary, the available evidence is currently insufficient to determine the role of this variant in disease. Therefore, it has been classified as a Variant of Uncertain Significance.

NM_006846.4(SPINK5):c.2291G>T (p.Gly764Val)

Gene: SPINK5 (serine peptidase inhibitor Kazal type 5; plus strand). Cytogenetic location: 5q32.
Variant type: single nucleotide variant.
Coding change: c.2291G>T on transcript NM_006846.4 (MANE Select); coding-DNA position 2291, G replaced by T.
Protein change: p.Gly764Val; replaces glycine 764 with valine.
Molecular consequence: missense variant.
Genome position (GRCh38, 1-based): chr5:148,119,036, G>T. VCF-style: chr5-148119036-G-T. GRCh37 (hg19) VCF-style: chr5-147498599-G-T.
Other names: c.2291G>T, p.Gly764Val (NM_001127698.2, NM_001127699.2); short protein forms G764V.
Identifiers: ClinVar variation 1433976 (VCV001433976.8), dbSNP rs373599568, ClinGen allele CA3495938.